The following is an entry in ClinVar:

ClinVar aggregate classification (germline): Likely benign (1 of 4 stars; one submission).

Conditions:
COL18A1-related disorder. Also called: COL18A1-related condition; COL18A1-related disorders.

Submission:

PreventionGenetics, part of Exact Sciences
Classification: Likely benign for COL18A1-related condition. Last evaluated: 2024-11-07. Review status: criteria provided, single submitter. Criteria: ACMG Guidelines, 2015. Collection method: clinical testing. Allele origin: germline.
Comment: This variant is classified as likely benign based on ACMG/AMP sequence variant interpretation guidelines (Richards et al. 2015 PMID: 25741868, with internal and published modifications).

NM_001379500.1(COL18A1):c.2830_2832del (p.Pro944del)

Genes: COL18A1 (collagen type XVIII alpha 1 chain; plus strand), SLC19A1 (solute carrier family 19 member 1; minus strand). Cytogenetic location: 21q22.3.
Variant type: Deletion.
Coding change: c.2830_2832del on transcript NM_001379500.1 (MANE Select); coding-DNA positions 2830 to 2832, 3 bases deleted (CCA; older notation c.2830_2832delCCA).
Protein change: p.Pro944del; deletes proline 944.
Molecular consequence: inframe deletion.
Genome position (GRCh38, 1-based): chr21:45,504,527-45,504,529, CCA deleted. VCF-style (leftmost placement, unchanged base first): chr21-45504526-CCCA-C. GRCh37 (hg19) VCF-style: chr21-46924440-CCCA-C.
Other names: c.3370_3372del, p.Pro1124del (NM_030582.4); c.4075_4077del, p.Pro1359del (NM_130444.3); short protein forms P1124del, P944del, P1359del.
Identifiers: ClinVar variation 4986281 (VCV004986281.1).